The following is an entry in ClinVar:

NM_014251.3(SLC25A13):c.1677C>A (p.Tyr559Ter)

Gene: SLC25A13 (solute carrier family 25 member 13; minus strand). Cytogenetic location: 7q21.3.
Variant type: single nucleotide variant.
Coding change: c.1677C>A on transcript NM_014251.3 (MANE Select); coding-DNA position 1677, C replaced by A.
Protein change: p.Tyr559Ter; replaces tyrosine 559 with a stop codon.
Molecular consequence: nonsense. On other transcripts: non-coding transcript variant (1).
Genome position (GRCh38, 1-based): chr7:96,121,912, G>T on the plus strand (C>A on the coding strand, the complement: SLC25A13 is on the minus strand). VCF-style: chr7-96121912-G-T. GRCh37 (hg19) VCF-style: chr7-95751224-G-T.
Other names: c.1680C>A, p.Tyr560Ter (NM_001160210.2); short protein forms Y560*, Y559*.
Identifiers: ClinVar variation 2812391 (VCV002812391.3), dbSNP rs201168119, ClinGen allele CA368258235.
Genomic context (GRCh38, chr7:96,121,912, plus strand): 5'-CCACAGAGCTTTTGGTCCTTCTTCACGCAGTATCTTTCTAAAGCAGTCTATCACTCCGCT[G>T]TAAGTGGTTTGGCCAGCCCGGGCAGCCACCTGTAATCTCGTCTTGATAACATCAGCAGGG-3'

ClinVar aggregate classification (germline): Pathogenic (1 of 4 stars; one submission).

Conditions:
Citrin deficiency. Identifiers: Orphanet 247582, MedGen C1997910, MONDO:0016602.

Submission:

Labcorp Genetics (formerly Invitae), Labcorp
Classification: Pathogenic for Citrin deficiency. Last evaluated: 2022-11-06. Review status: criteria provided, single submitter. Criteria: Invitae Variant Classification Sherloc (09022015). Collection method: clinical testing. Allele origin: germline.
Comment: This sequence change creates a premature translational stop signal (p.Tyr559*) in the SLC25A13 gene. It is expected to result in an absent or disrupted protein product. Loss-of-function variants in SLC25A13 are known to be pathogenic (PMID: 10369257, 14680984, 27405544). For these reasons, this variant has been classified as Pathogenic. This variant has not been reported in the literature in individuals affected with SLC25A13-related conditions. This variant is not present in population databases (gnomAD no frequency).

Literature cited by the submitters: PubMed 10369257; PubMed 14680984; PubMed 27405544.